The following is an entry in ClinVar:

ClinVar aggregate classification (germline): Uncertain significance. Review status: criteria provided, multiple submitters, no conflicts (2 of 4 stars). 2 submissions from 2 submitters: Uncertain significance (2). Last evaluated 2024-10-11.

Allele frequency attached by ClinVar (database versions not stated): gnomAD 0.00001 and 0.00003; ExAC 0.00002; gnomAD exomes 0.00002 and 0.00005; TOPMed 0.00003.
gnomAD v4.1: 73 of 1,613,748 alleles (0.0045%); highest among the groups gnomAD compares: Non-Finnish European, 0.0058%; no homozygotes.

Submissions (2):

Blueprint Genetics
Classification: Uncertain significance. Last evaluated: 2024-10-11. Review status: criteria provided, single submitter. Criteria: ACMG Guidelines, 2015. Collection method: clinical testing. Allele origin: germline.

Labcorp Genetics (formerly Invitae), Labcorp
Classification: Uncertain significance. Last evaluated: 2024-06-13. Review status: criteria provided, single submitter. Criteria: Invitae Variant Classification Sherloc (09022015). Collection method: clinical testing. Allele origin: germline.
Comment: This sequence change replaces valine, which is neutral and non-polar, with leucine, which is neutral and non-polar, at codon 95 of the CARMIL2 protein (p.Val95Leu). This variant is present in population databases (rs748347536, gnomAD 0.005%). This variant has not been reported in the literature in individuals affected with CARMIL2-related conditions. ClinVar contains an entry for this variant (Variation ID: 1436266). Advanced modeling of protein sequence and biophysical properties (such as structural, functional, and spatial information, amino acid conservation, physicochemical variation, residue mobility, and thermodynamic stability) performed at Invitae indicates that this missense variant is not expected to disrupt CARMIL2 protein function with a negative predictive value of 80%. In summary, the available evidence is currently insufficient to determine the role of this variant in disease. Therefore, it has been classified as a Variant of Uncertain Significance.

NM_001013838.3(CARMIL2):c.283G>C (p.Val95Leu)

Gene: CARMIL2 (capping protein regulator and myosin 1 linker 2; plus strand). Cytogenetic location: 16q22.1.
Variant type: single nucleotide variant.
Coding change: c.283G>C on transcript NM_001013838.3 (MANE Select); coding-DNA position 283, G replaced by C.
Protein change: p.Val95Leu; replaces valine 95 with leucine.
Molecular consequence: missense variant.
Genome position (GRCh38, 1-based): chr16:67,646,219, G>C. VCF-style: chr16-67646219-G-C. GRCh37 (hg19) VCF-style: chr16-67680122-G-C.
Other names: c.283G>C, p.Val95Leu (NM_001317026.3); short protein forms V95L.
Identifiers: ClinVar variation 1436266 (VCV001436266.6), dbSNP rs748347536, ClinGen allele CA8113015.
Genomic context (GRCh38, chr16:67,646,219, plus strand): 5'-CGAGGCCTAGTAGTGCCCCTTCCCTAGGTCACCTTTGAGCTGGAGTCCCTGCGTGAGCTG[G>C]TCCTGGAGTTTCCTGGTGTGGCCGCCCTGGAACAGCTGGCCCAGCACGTGGCTGCAGCCA-3'
Protein context (NP_001013860.1, residues 85-105): TFELESLREL[Val95Leu]LEFPGVAALE